The following is an entry in ClinVar:

NM_001365999.1(SZT2):c.8662G>C (p.Glu2888Gln)

Gene: SZT2 (SZT2 subunit of KICSTOR complex; plus strand). Cytogenetic location: 1p34.2.
Variant type: single nucleotide variant.
Coding change: c.8662G>C on transcript NM_001365999.1 (MANE Select); coding-DNA position 8662, G replaced by C.
Protein change: p.Glu2888Gln; replaces glutamic acid 2888 with glutamine.
Molecular consequence: missense variant.
Genome position (GRCh38, 1-based): chr1:43,443,633, G>C. VCF-style: chr1-43443633-G-C. GRCh37 (hg19) VCF-style: chr1-43909304-G-C.
Other names: c.8491G>C, p.Glu2831Gln (NM_015284.4); c.103G>C, p.Glu35Gln (NM_024547.1); short protein forms E2831Q, E35Q, E2888Q.
Identifiers: ClinVar variation 1901521 (VCV001901521.5), dbSNP rs532734329, ClinGen allele CA810648.

ClinVar aggregate classification (germline): Uncertain significance (1 of 4 stars; one submission).

Allele frequency attached by ClinVar (database versions not stated): ExAC 0.00001; gnomAD 0.00001; 1000 Genomes Project 30x 0.00016; 1000 Genomes Project 0.00020.
gnomAD v4.1: 1 of 1,614,216 alleles (0.000062%); highest among the groups gnomAD compares: Admixed American, 0.0017%; no homozygotes.

Submission:

Labcorp Genetics (formerly Invitae), Labcorp
Classification: Uncertain significance. Last evaluated: 2023-11-27. Review status: criteria provided, single submitter. Criteria: Invitae Variant Classification Sherloc (09022015). Collection method: clinical testing. Allele origin: germline.
Comment: This sequence change replaces glutamic acid, which is acidic and polar, with glutamine, which is neutral and polar, at codon 2831 of the SZT2 protein (p.Glu2831Gln). This variant is not present in population databases (gnomAD no frequency). This variant has not been reported in the literature in individuals affected with SZT2-related conditions. ClinVar contains an entry for this variant (Variation ID: 1901521). Advanced modeling of protein sequence and biophysical properties (such as structural, functional, and spatial information, amino acid conservation, physicochemical variation, residue mobility, and thermodynamic stability) performed at Invitae indicates that this missense variant is not expected to disrupt SZT2 protein function with a negative predictive value of 80%. In summary, the available evidence is currently insufficient to determine the role of this variant in disease. Therefore, it has been classified as a Variant of Uncertain Significance.